The following is an entry in ClinVar:

NM_001110556.2(FLNA):c.188G>T (p.Arg63Leu)

Gene: FLNA (filamin A; minus strand). Cytogenetic location: Xq28.
Variant type: single nucleotide variant.
Coding change: c.188G>T on transcript NM_001110556.2 (MANE Select); coding-DNA position 188, G replaced by T.
Protein change: p.Arg63Leu; replaces arginine 63 with leucine.
Molecular consequence: missense variant.
Genome position (GRCh38, 1-based): chrX:154,371,058, C>A on the plus strand (G>T on the coding strand, the complement: FLNA is on the minus strand). VCF-style: chrX-154371058-C-A. GRCh37 (hg19) VCF-style: chrX-153599426-C-A.
Other names: c.188G>T, p.Arg63Leu (NM_001456.4); short protein forms R63L.
Identifiers: ClinVar variation 1782050 (VCV001782050.3), dbSNP rs2067802461, ClinGen allele CA415255090.
Genomic context (GRCh38, chrX:154,371,058, plus strand): 5'-ACCTCCAACAGCGCGATAAGCCGCAGCCCGTCGCTCAGGTCCGTCTGCAGGTTGGCGATG[C>A]GCTTGCTCACGCACTTCAGGTGCTCGTTGCACCAGCGCGTGAAAGTGTTCTGCTGGATCT-3'
Protein context (NP_001104026.1, residues 53-73): CNEHLKCVSK[Arg63Leu]IANLQTDLSD

ClinVar aggregate classification (germline): Uncertain significance. Review status: criteria provided, multiple submitters, no conflicts (2 of 4 stars). 2 submissions from 2 submitters: Uncertain significance (2). Last evaluated 2023-06-12.

Conditions:
Familial thoracic aortic aneurysm and aortic dissection (TAAD). Also called: Thoracic aortic aneurysms and dissections. Identifiers: Orphanet 91387, MedGen C4707243, MONDO:0019625.

Allele frequency attached by ClinVar (database versions not stated): TOPMed 0.00001.
gnomAD v4.1: 1 of 1,204,561 alleles (0.000083%); highest among the groups gnomAD compares: Non-Finnish European, 0.00011%; no homozygotes.

Submissions (2):

GeneDx
Classification: Uncertain significance. Last evaluated: 2023-06-12. Review status: criteria provided, single submitter. Criteria: GeneDx Variant Classification Process June 2021. Collection method: clinical testing. Allele origin: germline. Affected: yes.
Comment: Not observed at significant frequency in large population cohorts (gnomAD); In silico analysis supports that this missense variant has a deleterious effect on protein structure/function; Has not been previously published as pathogenic or benign to our knowledge

Ambry Genetics
Classification: Uncertain significance for Familial thoracic aortic aneurysm and aortic dissection. Last evaluated: 2017-07-03. Review status: criteria provided, single submitter. Criteria: Ambry Variant Classification Scheme 2023. Collection method: clinical testing. Allele origin: germline.
Comment: The p.R63L variant (also known as c.188G>T), located in coding exon 1 of the FLNA gene, results from a G to T substitution at nucleotide position 188. The arginine at codon 63 is replaced by leucine, an amino acid with dissimilar properties. This amino acid position is highly conserved in available vertebrate species. In addition, this alteration is predicted to be deleterious by in silico analysis. Since supporting evidence is limited at this time, the clinical significance of this alteration remains unclear.